The following is an entry in ClinVar:

NC_000010.10:g.(?_69881185)_(69971784_?)dup

Gene: MYPN (myopalladin; plus strand). Cytogenetic location: 10q21.3.
Variant type: Duplication.
Identifiers: ClinVar variation 1052605 (VCV001052605.5).

ClinVar aggregate classification (germline): Uncertain significance (1 of 4 stars; one submission).

Conditions:
Dilated cardiomyopathy 1KK (CMD1KK). Identifiers: Orphanet 154, Orphanet 75249, MedGen C3714995, MONDO:0014100, OMIM 615248.

Submission:

Labcorp Genetics (formerly Invitae), Labcorp
Classification: Uncertain significance for Dilated cardiomyopathy 1KK. Last evaluated: 2022-06-13. Review status: criteria provided, single submitter. Criteria: Invitae Variant Classification Sherloc (09022015). Collection method: clinical testing. Allele origin: germline.
Comment: A copy number gain of the genomic region encompassing the full coding sequence of the MYPN gene has been identified. The boundaries of this event are unknown as they extend beyond the assayed region for this gene and therefore may encompass additional genes. As the precise location of this event is unknown, it may be in tandem or it may be located elsewhere in the genome. This variant has not been reported in the literature in individuals affected with MYPN-related conditions. In summary, the available evidence is currently insufficient to determine the role of this variant in disease. Therefore, it has been classified as a Variant of Uncertain Significance.